The following is an entry in ClinVar:

ClinVar aggregate classification (germline): Pathogenic. Review status: criteria provided, multiple submitters, no conflicts (2 of 4 stars). 2 submissions from 2 submitters: Pathogenic (2). Last evaluated 2023-09-12.

Conditions:
Hereditary cancer-predisposing syndrome. Also called: Neoplastic Syndromes, Hereditary; Hereditary neoplastic syndrome; Tumor predisposition; Hereditary Cancer Syndrome. Identifiers: Orphanet 140162, MedGen C0027672, MeSH D009386, MONDO:0015356.
Ataxia-telangiectasia syndrome (AT). Also called: Cerebello-oculocutaneous telangiectasia; Immunodeficiency with ataxia telangiectasia; ATAXIA-TELANGIECTASIA, FRESNO VARIANT; Ataxia-telangiectasia, complementation group D; Ataxia telangiectasia (A-T); LOUIS-BAR SYNDROME. Identifiers: Orphanet 100, MedGen C0004135, MONDO:0008840, OMIM 208900.

Submissions (2):

Ambry Genetics
Classification: Pathogenic for Hereditary cancer-predisposing syndrome. Last evaluated: 2023-09-12. Review status: criteria provided, single submitter. Criteria: Ambry Variant Classification Scheme 2023. Collection method: clinical testing. Allele origin: germline.
Comment: The c.2867delG pathogenic mutation, located in coding exon 18 of the ATM gene, results from a deletion of one nucleotide at nucleotide position 2867, causing a translational frameshift with a predicted alternate stop codon (p.G956Efs*15). This variant is considered to be rare based on population cohorts in the Genome Aggregation Database (gnomAD). This alteration is expected to result in loss of function by premature protein truncation or nonsense-mediated mRNA decay. As such, this alteration is interpreted as a disease-causing mutation.

Labcorp Genetics (formerly Invitae), Labcorp
Classification: Pathogenic for Ataxia-telangiectasia syndrome. Last evaluated: 2020-01-20. Review status: criteria provided, single submitter. Criteria: Invitae Variant Classification Sherloc (09022015). Collection method: clinical testing. Allele origin: germline.
Comment: This sequence change creates a premature translational stop signal (p.Gly956Glufs*15) in the ATM gene. It is expected to result in an absent or disrupted protein product. This variant is not present in population databases (ExAC no frequency). This variant has not been reported in the literature in individuals with ATM-related conditions. Loss-of-function variants in ATM are known to be pathogenic (PMID: 23807571, 25614872). For these reasons, this variant has been classified as Pathogenic.

Literature cited by the submitters: PubMed 23807571 (cited by Labcorp Genetics (formerly Invitae), Labcorp); PubMed 25614872 (cited by Labcorp Genetics (formerly Invitae), Labcorp).

NM_000051.4(ATM):c.2867del (p.Gly956fs)

Gene: ATM (ATM serine/threonine kinase; plus strand). Cytogenetic location: 11q22.3.
Variant type: Deletion.
Coding change: c.2867del on transcript NM_000051.4 (MANE Select); coding-DNA position 2867, one base deleted (G; older notation c.2867delG).
Protein change: p.Gly956fs; shifts the reading frame from glycine 956.
Molecular consequence: frameshift variant.
Genome position (GRCh38, 1-based): chr11:108,271,092, G deleted; the last of 2 consecutive G bases (chr11:108,271,091-108,271,092); deleting either gives the same sequence. VCF-style (leftmost placement, unchanged base first): chr11-108271090-TG-T. GRCh37 (hg19) VCF-style: chr11-108141817-TG-T.
Other names: c.2867del, p.Gly956fs (NM_001351834.2); c.2867delG (NM_000051.3); short protein forms G956fs.
Identifiers: ClinVar variation 1076085 (VCV001076085.9), dbSNP rs2135547839, ClinGen allele CA2499220599.
Genomic context (GRCh38, chr11:108,271,090, plus strand): 5'-ATAAACCTGATTTTTTTCCCTCCTACCATCTTAGTATCTAATGCTTTTAAAGGAGCTTCC[TG>T]GAGAAGAGTACCCCTTGCCAATGGAAGATGTTCTTGAACTTCTGAAACCACTATCGTAAG-3'